The following is an entry in ClinVar:

NM_017791.3(FLVCR2):c.727C>T (p.Arg243Trp)

Gene: FLVCR2 (FLVCR choline and putative heme transporter 2; plus strand). Cytogenetic location: 14q24.3.
Variant type: single nucleotide variant.
Coding change: c.727C>T on transcript NM_017791.3 (MANE Select); coding-DNA position 727, C replaced by T.
Protein change: p.Arg243Trp; replaces arginine 243 with tryptophan.
Molecular consequence: missense variant.
Genome position (GRCh38, 1-based): chr14:75,622,136, C>T. VCF-style: chr14-75622136-C-T. GRCh37 (hg19) VCF-style: chr14-76088479-C-T.
Other names: c.112C>T, p.Arg38Trp (NM_001195283.2); short protein forms R243W, R38W.
Identifiers: ClinVar variation 887372 (VCV000887372.9), dbSNP rs146668840, ClinGen allele CA7278290.
Genomic context (GRCh38, chr14:75,622,136, plus strand): 5'-TAGCTTGGAATTGCGATTGGGTTCTTGGTCCCTCCTGTTTTGGTACCCAACATTGAAGAC[C>T]GGGACGAGCTTGCCTACCACATCAGCATCATGTTCTATATAATAGGAGGTGTGGCCACTC-3'
Protein context (NP_060261.2, residues 233-253): PPVLVPNIED[Arg243Trp]DELAYHISIM

ClinVar aggregate classification (germline): Benign/Likely benign. Review status: criteria provided, multiple submitters, no conflicts (2 of 4 stars). 4 submissions from 4 submitters: Benign (1); Likely benign (2). 1 of the submissions does not count toward it. Last evaluated 2025-11-07.

Conditions:
FLVCR2-related disorder. Also called: FLVCR2-related condition.
Posterior column ataxia-retinitis pigmentosa syndrome (RETSNS). Also called: RETINOPATHY-SENSORY NEUROPATHY SYNDROME. Identifiers: Orphanet 88628, MedGen C1836916, MONDO:0012177, OMIM 609033.

Allele frequency attached by ClinVar (database versions not stated): ExAC 0.00054; 1000 Genomes Project 0.00120; ESP Exome Variant Server 0.00038; 1000 Genomes Project 30x 0.00094; gnomAD 0.00011 and 0.00021; TOPMed 0.00011; gnomAD exomes 0.00043 and 0.00049.

Submissions (4):

Labcorp Genetics (formerly Invitae), Labcorp
Classification: Benign. Last evaluated: 2025-11-07. Review status: criteria provided, single submitter. Criteria: Invitae Variant Classification Sherloc (09022015). Collection method: clinical testing. Allele origin: germline.

Illumina Laboratory Services, Illumina
Classification: Likely benign for Posterior column ataxia-retinitis pigmentosa syndrome. Last evaluated: 2018-01-13. Review status: criteria provided, single submitter. Criteria: ICSL Variant Classification Criteria 13 December 2019. Collection method: clinical testing. Allele origin: germline.
Comment: This variant was observed in the ICSL laboratory as part of a predisposition screen in an ostensibly healthy population. It had not been previously curated by ICSL or reported in the Human Gene Mutation Database (HGMD: prior to June 1st, 2018), and was therefore a candidate for classification through an automated scoring system. Utilizing variant allele frequency, disease prevalence and penetrance estimates, and inheritance mode, an automated score was calculated to assess if this variant is too frequent to cause the disease. Based on the score and internal cut-off values, a variant classified as likely benign is not then subjected to further curation. The score for this variant resulted in a classification of likely benign for this disease.

Breakthrough Genomics
Classification: Likely benign. Review status: criteria provided, single submitter. Criteria: ACMG Guidelines, 2015. Collection method: not provided. Allele origin: germline. Inheritance: Autosomal recessive inheritance. Affected: yes.

PreventionGenetics, part of Exact Sciences
Classification: Likely benign for FLVCR2-related condition. Last evaluated: 2021-04-05. Review status: no assertion criteria provided. Collection method: clinical testing. Allele origin: germline. Not counted in ClinVar's aggregate classification.
Comment: This variant is classified as likely benign based on ACMG/AMP sequence variant interpretation guidelines (Richards et al. 2015 PMID: 25741868, with internal and published modifications).